The following is an entry in ClinVar:

ClinVar aggregate classification (germline): Uncertain significance. Review status: criteria provided, multiple submitters, no conflicts (2 of 4 stars). 2 submissions from 2 submitters: Uncertain significance (2). Last evaluated 2021-11-18.

Conditions:
Retinitis pigmentosa 73 (RP73). Identifiers: Orphanet 791, MedGen C4225287, MONDO:0014687, OMIM 616544.
Mucopolysaccharidosis, MPS-III-C (MPS3C). Also called: SANFILIPPO SYNDROME C; mucopolysaccharidosis type 3C; Mucopolysaccharidosis type IIIC (Sanfilippo C); MPS IIIC (Sanfilippo Syndrome Type C); MUCOPOLYSACCHARIDOSIS, TYPE IIIC; MPS III C. Identifiers: Orphanet 581, Orphanet 79271, MedGen C0086649, MONDO:0009657, OMIM 252930.

Submissions (2):

Fulgent Genetics
Classification: Uncertain significance for Mucopolysaccharidosis, MPS-III-C; Retinitis pigmentosa 73. Last evaluated: 2021-11-18. Review status: criteria provided, single submitter. Criteria: ACMG Guidelines, 2015. Collection method: clinical testing. Allele origin: unknown.

Labcorp Genetics (formerly Invitae), Labcorp
Classification: Uncertain significance for Retinitis pigmentosa 73; Mucopolysaccharidosis, MPS-III-C. Last evaluated: 2020-01-24. Review status: criteria provided, single submitter. Criteria: Invitae Variant Classification Sherloc (09022015). Collection method: clinical testing. Allele origin: germline.
Comment: This sequence change replaces arginine with lysine at codon 124 of the HGSNAT protein (p.Arg124Lys). The arginine residue is weakly conserved and there is a small physicochemical difference between arginine and lysine. This variant also falls at the last nucleotide of exon 3 of the HGSNAT coding sequence, which is part of the consensus splice site for this exon. This variant is not present in population databases (ExAC no frequency). This variant has not been reported in the literature in individuals with HGSNAT-related conditions. Algorithms developed to predict the effect of missense changes on protein structure and function (SIFT, PolyPhen-2, Align-GVGD) all suggest that this variant is likely to be tolerated, but these predictions have not been confirmed by published functional studies and their clinical significance is uncertain. Nucleotide substitutions within the consensus splice site are a relatively common cause of aberrant splicing (PMID: 17576681, 9536098). Algorithms developed to predict the effect of sequence changes on RNA splicing suggest that this variant may disrupt the consensus splice site, but this prediction has not been confirmed by published transcriptional studies. In summary, the available evidence is currently insufficient to determine the role of this variant in disease. Therefore, it has been classified as a Variant of Uncertain Significance.

Literature cited by the submitters: PubMed 17576681 (cited by Labcorp Genetics (formerly Invitae), Labcorp); PubMed 9536098 (cited by Labcorp Genetics (formerly Invitae), Labcorp).

NM_152419.3(HGSNAT):c.371G>A (p.Arg124Lys)

Gene: HGSNAT (heparan-alpha-glucosaminide N-acetyltransferase; plus strand). Cytogenetic location: 8p11.21.
Variant type: single nucleotide variant.
Coding change: c.371G>A on transcript NM_152419.3 (MANE Select); coding-DNA position 371, G replaced by A.
Protein change: p.Arg124Lys; replaces arginine 124 with lysine.
Molecular consequence: missense variant. On other transcripts: 5 prime UTR variant (1).
Genome position (GRCh38, 1-based): chr8:43,158,711, G>A. VCF-style: chr8-43158711-G-A. GRCh37 (hg19) VCF-style: chr8-43013854-G-A.
Other names: c.371G>A, p.Arg124Lys (NM_001363227.2, NM_001363228.2); c.-463G>A (NM_001363229.2); short protein forms R124K.
Identifiers: ClinVar variation 853898 (VCV000853898.3), dbSNP rs1803172725, ClinGen allele CA371125306.